The following is an entry in ClinVar:

ClinVar aggregate classification (germline): Uncertain significance (1 of 4 stars; one submission).

Conditions:
X-linked Alport syndrome (ATS1). Also called: NEPHROPATHY AND DEAFNESS, X-LINKED; COL4A5-Related Nephropathy. Identifiers: Orphanet 63, Orphanet 88917, MedGen C4746986, MONDO:0010520, OMIM 301050.

Submission:

ARUP Laboratories, Molecular Genetics and Genomics, ARUP Laboratories
Classification: Uncertain significance for X-linked Alport syndrome. Last evaluated: 2024-10-23. Review status: criteria provided, single submitter. Criteria: ARUP Molecular Germline Variant Investigation Process 2024. Collection method: clinical testing. Allele origin: germline.
Comment: The COL4A5 c.2766A>T p.Lys922Asn variant, to our knowledge, is not reported in the medical literature or gene specific databases. This variant is also absent from the Genome Aggregation Database (v2.1.1), indicating it is not a common polymorphism. Computational analyses predict that this variant is deleterious (REVEL: 0.784). Additionally, this variant occurs in the penultimate nucleotide of exon 32 and computational splicing analyses (Alamut v.2.11) predict that this variant may impact splicing by weakening the nearby canonical donor splice site. However, given the lack of clinical and functional data, the significance of this variant is uncertain at this time.

NM_033380.3(COL4A5):c.2766A>T (p.Lys922Asn)

Gene: COL4A5 (collagen type IV alpha 5 chain; plus strand). Cytogenetic location: Xq22.3.
Variant type: single nucleotide variant.
Coding change: c.2766A>T on transcript NM_033380.3 (MANE Select); coding-DNA position 2766, A replaced by T.
Protein change: p.Lys922Asn; replaces lysine 922 with asparagine.
Molecular consequence: missense variant.
Genome position (GRCh38, 1-based): chrX:108,621,891, A>T. VCF-style: chrX-108621891-A-T. GRCh37 (hg19) VCF-style: chrX-107865121-A-T.
Other names: c.2766A>T, p.Lys922Asn (NM_000495.5); short protein forms K922N.
Identifiers: ClinVar variation 3766920 (VCV003766920.1).